The following is an entry in ClinVar:

NM_014915.3(ANKRD26):c.3807+3A>G

Gene: ANKRD26 (ankyrin repeat domain 26; minus strand). Cytogenetic location: 10p12.1.
Variant type: single nucleotide variant.
Coding change: c.3807+3A>G on transcript NM_014915.3 (MANE Select); 3 bases into the intron after coding-DNA position 3807, A replaced by G.
Molecular consequence: intron variant.
Genome position (GRCh38, 1-based): chr10:27,033,222, T>C on the plus strand (A>G on the coding strand, the complement: ANKRD26 is on the minus strand). VCF-style: chr10-27033222-T-C. GRCh37 (hg19) VCF-style: chr10-27322151-T-C.
Other names: c.3804+3A>G (NM_001256053.2).
Identifiers: ClinVar variation 2193179 (VCV002193179.4), dbSNP rs2053936029, ClinGen allele CA2580081418.

ClinVar aggregate classification (germline): Uncertain significance (1 of 4 stars; one submission).

gnomAD v4.1: 3 of 1,605,966 alleles (0.00019%); highest among the groups gnomAD compares: East Asian, 0.0045%; no homozygotes.

Submission:

Labcorp Genetics (formerly Invitae), Labcorp
Classification: Uncertain significance. Last evaluated: 2025-10-01. Review status: criteria provided, single submitter. Criteria: Invitae Variant Classification Sherloc (09022015). Collection method: clinical testing. Allele origin: germline.
Comment: This sequence change falls in intron 25 of the ANKRD26 gene. It does not directly change the encoded amino acid sequence of the ANKRD26 protein. It affects a nucleotide within the consensus splice site. This variant is not present in population databases (gnomAD no frequency). This variant has not been reported in the literature in individuals affected with ANKRD26-related conditions. ClinVar contains an entry for this variant (Variation ID: 2193179). Variants that disrupt the consensus splice site are a relatively common cause of aberrant splicing (PMID: 17576681, 9536098). Algorithms developed to predict the effect of sequence changes on RNA splicing suggest that this variant may disrupt the consensus splice site. In summary, the available evidence is currently insufficient to determine the role of this variant in disease. Therefore, it has been classified as a Variant of Uncertain Significance.

Literature cited by the submitters: PubMed 17576681; PubMed 9536098.